The following is an entry in ClinVar:

Conditions:
Arteriohepatic dysplasia. Also called: Alagille Syndrome. Identifiers: Orphanet 52, MedGen C0085280, MeSH D016738, MONDO:0007318.

Submission:

Gilbert/Spinner Lab, Children's Hospital of Philadelphia
No classification provided (evidence only). Condition: Alagille syndrome. Review status: no classification provided. Collection method: research. Allele origin: not applicable. Functional consequence: functionally_abnormal.
ClinVar note: "not provided" was previously submitted as the classification for the variant. However, the classification appeared to be based only on an observation of functional data so it was converted to no classification on 2025-07-30.

NM_000214.3(JAG1):c.118C>G (p.Leu40Val)

Gene: JAG1 (jagged canonical Notch ligand 1; minus strand). Cytogenetic location: 20p12.2.
Variant type: single nucleotide variant.
Coding change: c.118C>G on transcript NM_000214.3 (MANE Select); coding-DNA position 118, C replaced by G.
Protein change: p.Leu40Val; replaces leucine 40 with valine.
Molecular consequence: missense variant.
Genome position (GRCh38, 1-based): chr20:10,672,970, G>C on the plus strand (C>G on the coding strand, the complement: JAG1 is on the minus strand). VCF-style: chr20-10672970-G-C. GRCh37 (hg19) VCF-style: chr20-10653618-G-C.
Other names: short protein forms L40V.
Identifiers: ClinVar variation 3573396 (VCV003573396.2).
Genomic context (GRCh38, chr20:10,672,970, plus strand): 5'-TCCGGGCGCCGCCGCAGCAGTTCCCGTTCTGCAGCTCCCCGTTCACGTTCTGCATGGACA[G>C]GATCTCCAACTCGAACTGACCCGAGGCCCCACACACCTGCCGGCGAGGGAAGGAGGTAGG-3'
Protein context (NP_000205.1, residues 30-50): GASGQFELEI[Leu40Val]SMQNVNGELQ